The following is an entry in ClinVar:

ClinVar aggregate classification (germline): Uncertain significance (1 of 4 stars; one submission).

Conditions:
Tuberous sclerosis 2 (TSC2). Identifiers: Orphanet 805, MedGen C1860707, MONDO:0013199, OMIM 613254.

Submission:

Labcorp Genetics (formerly Invitae), Labcorp
Classification: Uncertain significance for Tuberous sclerosis 2. Last evaluated: 2024-02-13. Review status: criteria provided, single submitter. Criteria: Invitae Variant Classification Sherloc (09022015). Collection method: clinical testing. Allele origin: germline.
Comment: This sequence change replaces lysine, which is basic and polar, with leucine, which is neutral and non-polar, at codon 14 of the TSC2 protein (p.Lys14Leu). Information on the frequency of this variant in the gnomAD database is not available, as this variant may be reported differently in the database. This variant has not been reported in the literature in individuals affected with TSC2-related conditions. An algorithm developed to predict the effect of missense changes on protein structure and function (PolyPhen-2) suggests that this variant is likely to be disruptive. In summary, the available evidence is currently insufficient to determine the role of this variant in disease. Therefore, it has been classified as a Variant of Uncertain Significance.

NM_000548.5(TSC2):c.40_41inv (p.Lys14Leu)

Gene: TSC2 (TSC complex subunit 2; plus strand). Cytogenetic location: 16p13.3.
Variant type: Inversion.
Coding change: c.40_41inv on transcript NM_000548.5 (MANE Select).
Protein change: p.Lys14Leu; replaces lysine 14 with leucine.
Molecular consequence: missense variant. On other transcripts: 5 prime UTR variant (19), non-coding transcript variant (5), intron variant (6).
Genome position: GRCh38 VCF-style: chr16-2048655-AA-TT. GRCh37 (hg19) VCF-style: chr16-2098656-AA-TT.
Other names: c.40_41inv, p.Lys14Leu (NM_001077183.3, NM_001114382.3, NM_001318827.2 and 13 more transcripts); c.-187_-186inv (NM_001318831.2, NM_001406682.1, NM_001406684.1 and 2 more transcripts); c.73_74inv, p.Lys25Leu (NM_001318832.2); c.-777_-776inv (NM_001406680.1, NM_001406683.1, NM_001406687.1); c.-406_-405inv (NM_001406681.1); c.-1392_-1391inv (NM_001406689.1, NM_001406690.1, NM_001406691.1 and 2 more transcripts); c.-1698_-1697inv (NM_001406693.1); c.-1273_-1272inv (NM_001406694.1, NM_001406695.1); and 4 more; short protein forms K14L, K25L.
Identifiers: ClinVar variation 3640510 (VCV003640510.2).
Genomic context (GRCh38, chr16:2,048,655, plus strand): 5'-TCTGGTGCGTCCTGGTCCACCATGGCCAAACCAACAAGCAAAGATTCAGGCTTGAAGGAG[AA>TT]GTTTAAGATTCTGTTGGGACTGGGAACACCGAGGCCAAATCCCAGGTCTGCAGAGGGTAA-3'
Protein context (NP_000539.2, residues 4-24): PTSKDSGLKE[Lys14Leu]FKILLGLGTP